The following is an entry in ClinVar:

NM_000166.6(GJB1):c.757A>G (p.Ser253Gly)

Gene: GJB1 (gap junction protein beta 1; plus strand). Cytogenetic location: Xq13.1.
Variant type: single nucleotide variant.
Coding change: c.757A>G on transcript NM_000166.6 (MANE Select); coding-DNA position 757, A replaced by G.
Protein change: p.Ser253Gly; replaces serine 253 with glycine.
Molecular consequence: missense variant.
Genome position (GRCh38, 1-based): chrX:71,224,464, A>G. VCF-style: chrX-71224464-A-G. GRCh37 (hg19) VCF-style: chrX-70444314-A-G.
Other names: c.757A>G, p.Ser253Gly (NM_001097642.3); short protein forms S253G.
Identifiers: ClinVar variation 1500089 (VCV001500089.8), dbSNP rs1233208182, ClinGen allele CA413503968.

ClinVar aggregate classification (germline): Uncertain significance (1 of 4 stars; one submission).

Conditions:
Charcot-Marie-Tooth Neuropathy X. Identifiers: MedGen CN118851.

Allele frequency attached by ClinVar (database versions not stated): TOPMed below 0.00001; gnomAD 0.00001.
gnomAD v4.1: 1 of 1,205,873 alleles (0.000083%); highest among the groups gnomAD compares: African/African-American, 0.0018%; no homozygotes.

Submission:

Labcorp Genetics (formerly Invitae), Labcorp
Classification: Uncertain significance for Charcot-Marie-Tooth Neuropathy X. Last evaluated: 2022-07-19. Review status: criteria provided, single submitter. Criteria: Invitae Variant Classification Sherloc (09022015). Collection method: clinical testing. Allele origin: germline.
Comment: This sequence change replaces serine, which is neutral and polar, with glycine, which is neutral and non-polar, at codon 253 of the GJB1 protein (p.Ser253Gly). This variant is not present in population databases (gnomAD no frequency). This variant has not been reported in the literature in individuals affected with GJB1-related conditions. ClinVar contains an entry for this variant (Variation ID: 1500089). In summary, the available evidence is currently insufficient to determine the role of this variant in disease. Therefore, it has been classified as a Variant of Uncertain Significance. Algorithms developed to predict the effect of missense changes on protein structure and function (SIFT, PolyPhen-2, Align-GVGD) all suggest that this variant is likely to be tolerated. Algorithms developed to predict the effect of sequence changes on RNA splicing suggest that this variant may create or strengthen a splice site.